The following is an entry in ClinVar:

ClinVar aggregate classification (germline): Uncertain significance (1 of 4 stars; one submission).

Allele frequency attached by ClinVar (database versions not stated): gnomAD exomes 0.00001.
gnomAD v4.1: 11 of 1,609,582 alleles (0.00068%); highest among the groups gnomAD compares: Non-Finnish European, 0.00093%; no homozygotes.

Submission:

GeneDx
Classification: Uncertain significance. Last evaluated: 2025-06-23. Review status: criteria provided, single submitter. Criteria: GeneDx Variant Classification Process June 2021. Collection method: clinical testing. Allele origin: germline.
Comment: Not observed at significant frequency in large population cohorts (gnomAD); In silico analysis supports that this missense variant has a deleterious effect on protein structure/function; Has not been previously published as pathogenic or benign to our knowledge

NM_000540.3(RYR1):c.7915A>C (p.Met2639Leu)

Gene: RYR1 (ryanodine receptor 1; plus strand). Cytogenetic location: 19q13.2.
Variant type: single nucleotide variant.
Coding change: c.7915A>C on transcript NM_000540.3 (MANE Select); coding-DNA position 7915, A replaced by C.
Protein change: p.Met2639Leu; replaces methionine 2639 with leucine.
Molecular consequence: missense variant.
Genome position (GRCh38, 1-based): chr19:38,502,959, A>C. VCF-style: chr19-38502959-A-C. GRCh37 (hg19) VCF-style: chr19-38993599-A-C.
Other names: c.7915A>C, p.Met2639Leu (NM_001042723.2); short protein forms M2639L.
Identifiers: ClinVar variation 2662343 (VCV002662343.2), dbSNP rs1048429895, ClinGen allele CA308113591.